The following is an entry in ClinVar:

ClinVar aggregate classification (germline): Conflicting classifications of pathogenicity. Review status: criteria provided, conflicting classifications (1 of 4 stars). 3 submissions from 3 submitters: Likely pathogenic (2); Uncertain significance (1). Last evaluated 2023-08-30.

Conditions:
KCNH2-related disorder. Also called: KCNH2-related condition; KCNH2-related disorders.
Long QT syndrome (LQTS). Identifiers: MedGen C0023976, MeSH D008133, MONDO:0002442. Disease mechanism: loss of function. Inheritance: Various modes of inheritance.

Submissions (3):

Blueprint Genetics
Classification: Likely pathogenic for KCNH2-related disorders. Last evaluated: 2023-08-30. Review status: criteria provided, single submitter. Criteria: ACMG Guidelines, 2015. Collection method: clinical testing. Allele origin: germline. Affected: yes. Observed: 5 variant alleles.

Labcorp Genetics (formerly Invitae), Labcorp
Classification: Uncertain significance for Long QT syndrome. Last evaluated: 2021-08-29. Review status: criteria provided, single submitter. Criteria: Invitae Variant Classification Sherloc (09022015). Collection method: clinical testing. Allele origin: germline.
Comment: This sequence change replaces alanine with valine at codon 57 of the KCNH2 protein (p.Ala57Val). The alanine residue is weakly conserved and there is a small physicochemical difference between alanine and valine. This variant is not present in population databases (ExAC no frequency). This variant has not been reported in the literature in individuals affected with KCNH2-related conditions. ClinVar contains an entry for this variant (Variation ID: 200775). Algorithms developed to predict the effect of missense changes on protein structure and function are either unavailable or do not agree on the potential impact of this missense change (SIFT: "Deleterious"; PolyPhen-2: "Benign"; Align-GVGD: "Class C0"). In summary, the available evidence is currently insufficient to determine the role of this variant in disease. Therefore, it has been classified as a Variant of Uncertain Significance.

GeneDx
Classification: Likely pathogenic. Last evaluated: 2014-09-03. Review status: criteria provided, single submitter. Criteria: GeneDx Variant Classification (06012015). Collection method: clinical testing. Allele origin: germline. Affected: yes.
Comment: p.Ala57Val (GCC>GTC): c.170 C>T in exon 2 of the HERG gene (NM_000238.2). The A57V variant that is likely pathogenic was identified in the KCNH2 gene. It has not been published as a mutation, nor has it been reported as a benign polymorphism to our knowledge. The A57V variant was not observed in approximately 6,500 individuals of European and African American ancestry in the NHLBI Exome Sequencing Project, indicating it is not a common benign variant in these populations. A missense mutation in this same residue (A57P) and in nearby residues (G53V, Y54H, S55L, R56Q, E58K, E58G, E58A, E58D) have been reported in association with LQTS, supporting the functional importance of this region of the protein. However, the A57V variant is a conservative amino acid substitution, which is not likely to impact secondary protein structure as these residues share similar properties. Additionally, this substitution occurs at a position that is only conserved in mammals. In silico analysis is inconsistent in its predictions as to whether or not the variant is damaging to the protein structure/function. Therefore, this variant is a strong candidate for a pathogenic mutation, however the possibility that it is a benign variant cannot be excluded. The variant is found in LQT panel(s).

NM_000238.4(KCNH2):c.170C>T (p.Ala57Val)

Gene: KCNH2 (potassium voltage-gated channel subfamily H member 2; minus strand). Cytogenetic location: 7q36.1.
Variant type: single nucleotide variant.
Coding change: c.170C>T on transcript NM_000238.4 (MANE Select); coding-DNA position 170, C replaced by T.
Protein change: p.Ala57Val; replaces alanine 57 with valine.
Molecular consequence: missense variant.
Genome position (GRCh38, 1-based): chr7:150,974,848, G>A on the plus strand (C>T on the coding strand, the complement: KCNH2 is on the minus strand). VCF-style: chr7-150974848-G-A. GRCh37 (hg19) VCF-style: chr7-150671936-G-A.
Other names: p.A57V:GCC>GTC; c.-8C>T (NM_001406755.1); c.170C>T, p.Ala57Val (NM_172056.3); short protein forms A57V.
Identifiers: ClinVar variation 200775 (VCV000200775.9), dbSNP rs794728493, ClinGen allele CA005221.